The following is an entry in ClinVar:

NM_015062.5(PPRC1):c.4749C>T (p.Tyr1583=)

Gene: PPRC1 (PPARG related coactivator 1; plus strand). Cytogenetic location: 10q24.32.
Variant type: single nucleotide variant.
Coding change: c.4749C>T on transcript NM_015062.5 (MANE Select); coding-DNA position 4749, C replaced by T.
Protein change: p.Tyr1583=; no amino-acid change (tyrosine 1583 retained).
Molecular consequence: synonymous variant.
Genome position (GRCh38, 1-based): chr10:102,149,187, C>T. VCF-style: chr10-102149187-C-T. GRCh37 (hg19) VCF-style: chr10-103908944-C-T.
Other names: c.3957C>T, p.Tyr1319= (NM_001288727.2); c.4383C>T, p.Tyr1461= (NM_001288728.2); c.4749C>T (NM_015062.4).
Identifiers: ClinVar variation 2640785 (VCV002640785.25), dbSNP rs61756437, ClinGen allele CA5661661.

ClinVar aggregate classification (germline): Likely benign. Review status: criteria provided, single submitter (1 of 4 stars). 2 submissions from 2 submitters: Likely benign (1). 1 of the submissions does not count toward it. Last evaluated 2023-03-01.

Conditions:
PPRC1-related disorder. Also called: PPRC1-related condition.

Allele frequency attached by ClinVar (database versions not stated): 1000 Genomes Project 30x 0.00125; 1000 Genomes Project 0.00160; TOPMed 0.00564; ExAC 0.00565; gnomAD 0.00587; ESP Exome Variant Server 0.00746; gnomAD exomes 0.00882.
gnomAD v4.1: 13,455 of 1,589,142 alleles (0.85%); highest among the groups gnomAD compares: Non-Finnish European, 1.1%; 64 homozygotes.

Submissions (2):

CeGaT Center for Human Genetics Tuebingen
Classification: Likely benign. Last evaluated: 2023-03-01. Review status: criteria provided, single submitter. Criteria: CeGaT Center For Human Genetics Tuebingen Variant Classification Criteria Version 2. Collection method: clinical testing. Allele origin: germline. Affected: yes. Observed: 1 variant allele.
Comment: PPRC1: BP4, BP7, BS2

PreventionGenetics, part of Exact Sciences
Classification: Likely benign for PPRC1-related condition. Last evaluated: 2019-10-28. Review status: no assertion criteria provided. Collection method: clinical testing. Allele origin: germline. Not counted in ClinVar's aggregate classification.
Comment: This variant is classified as likely benign based on ACMG/AMP sequence variant interpretation guidelines (Richards et al. 2015 PMID: 25741868, with internal and published modifications).